The following is an entry in ClinVar:

NM_005802.5(TOPORS):c.2047C>T (p.Arg683Trp)

Gene: TOPORS (TOP1 binding arginine/serine rich protein, E3 ubiquitin ligase; minus strand). Cytogenetic location: 9p21.1.
Variant type: single nucleotide variant.
Coding change: c.2047C>T on transcript NM_005802.5 (MANE Select); coding-DNA position 2047, C replaced by T.
Protein change: p.Arg683Trp; replaces arginine 683 with tryptophan.
Molecular consequence: missense variant.
Genome position (GRCh38, 1-based): chr9:32,542,478, G>A on the plus strand (C>T on the coding strand, the complement: TOPORS is on the minus strand). VCF-style: chr9-32542478-G-A. GRCh37 (hg19) VCF-style: chr9-32542476-G-A.
Other names: c.1852C>T, p.Arg618Trp (NM_001195622.2); short protein forms R618W, R683W.
Identifiers: ClinVar variation 1149773 (VCV001149773.16), dbSNP rs143249653, ClinGen allele CA5020425.

ClinVar aggregate classification (germline): Conflicting classifications of pathogenicity. Review status: criteria provided, conflicting classifications (1 of 4 stars). 3 submissions from 3 submitters: Uncertain significance (1); Likely benign (2). Last evaluated 2026-01-17.

Allele frequency attached by ClinVar (database versions not stated): ESP Exome Variant Server 0.00015; TOPMed 0.00015; gnomAD exomes 0.00018 and 0.00033; gnomAD 0.00027 and 0.00028; ExAC 0.00035.

Submissions (3):

Labcorp Genetics (formerly Invitae), Labcorp
Classification: Likely benign. Last evaluated: 2026-01-17. Review status: criteria provided, single submitter. Criteria: Invitae Variant Classification Sherloc (09022015). Collection method: clinical testing. Allele origin: germline.

CeGaT Center for Human Genetics Tuebingen
Classification: Uncertain significance. Last evaluated: 2025-11-01. Review status: criteria provided, single submitter. Criteria: CeGaT Center For Human Genetics Tuebingen Variant Classification Criteria Version 2. Collection method: clinical testing. Allele origin: germline. Affected: yes. Observed: 1 variant allele.
Comment: TOPORS: PM2, BP4

Blueprint Genetics
Classification: Likely benign. Last evaluated: 2024-11-17. Review status: criteria provided, single submitter. Criteria: ACMG Guidelines, 2015. Collection method: clinical testing. Allele origin: germline.